The following is an entry in ClinVar:

NM_000051.4(ATM):c.1649T>G (p.Ile550Arg)

Gene: ATM (ATM serine/threonine kinase; plus strand). Cytogenetic location: 11q22.3.
Variant type: single nucleotide variant.
Coding change: c.1649T>G on transcript NM_000051.4 (MANE Select); coding-DNA position 1649, T replaced by G.
Protein change: p.Ile550Arg; replaces isoleucine 550 with arginine.
Molecular consequence: missense variant.
Genome position (GRCh38, 1-based): chr11:108,251,878, T>G. VCF-style: chr11-108251878-T-G. GRCh37 (hg19) VCF-style: chr11-108122605-T-G.
Other names: c.1649T>G, p.Ile550Arg (NM_001351834.2); short protein forms I550R.
Identifiers: ClinVar variation 219864 (VCV000219864.14), dbSNP rs864622285, ClinGen allele CA348029.

ClinVar aggregate classification (germline): Uncertain significance. Review status: criteria provided, multiple submitters, no conflicts (2 of 4 stars). 2 submissions from 2 submitters: Uncertain significance (2). Last evaluated 2024-12-19.

Conditions:
Hereditary cancer-predisposing syndrome. Also called: Tumor predisposition; Hereditary neoplastic syndrome; Neoplastic Syndromes, Hereditary; Hereditary Cancer Syndrome. Identifiers: Orphanet 140162, MedGen C0027672, MeSH D009386, MONDO:0015356.
Ataxia-telangiectasia syndrome (AT). Also called: Ataxia-telangiectasia, complementation group E; AT, COMPLEMENTATION GROUP C; ATAXIA-TELANGIECTASIA, COMPLEMENTATION GROUP A; ATAXIA-TELANGIECTASIA, FRESNO VARIANT; Ataxia-telangiectasia; LOUIS-BAR SYNDROME. Identifiers: Orphanet 100, MedGen C0004135, MONDO:0008840, OMIM 208900.

Submissions (2):

Ambry Genetics
Classification: Uncertain significance for Hereditary cancer-predisposing syndrome. Last evaluated: 2024-12-19. Review status: criteria provided, single submitter. Criteria: Ambry Variant Classification Scheme 2023. Collection method: clinical testing. Allele origin: germline.
Comment: The p.I550R variant (also known as c.1649T>G), located in coding exon 10 of the ATM gene, results from a T to G substitution at nucleotide position 1649. The isoleucine at codon 550 is replaced by arginine, an amino acid with similar properties. This amino acid position is poorly conserved in available vertebrate species. In addition, this alteration is predicted to be tolerated by in silico analysis. Since supporting evidence is limited at this time, the clinical significance of this alteration remains unclear.

Labcorp Genetics (formerly Invitae), Labcorp
Classification: Uncertain significance for Ataxia-telangiectasia syndrome. Last evaluated: 2021-12-22. Review status: criteria provided, single submitter. Criteria: Invitae Variant Classification Sherloc (09022015). Collection method: clinical testing. Allele origin: germline.
Comment: Advanced modeling of protein sequence and biophysical properties (such as structural, functional, and spatial information, amino acid conservation, physicochemical variation, residue mobility, and thermodynamic stability) performed at Invitae indicates that this missense variant is not expected to disrupt ATM protein function. ClinVar contains an entry for this variant (Variation ID: 219864). This variant has not been reported in the literature in individuals affected with ATM-related conditions. This variant is not present in population databases (gnomAD no frequency). This sequence change replaces isoleucine, which is neutral and non-polar, with arginine, which is basic and polar, at codon 550 of the ATM protein (p.Ile550Arg). In summary, the available evidence is currently insufficient to determine the role of this variant in disease. Therefore, it has been classified as a Variant of Uncertain Significance.